The following is an entry in ClinVar:

NM_000465.4(BARD1):c.1853T>G (p.Leu618Trp)

Gene: BARD1 (BRCA1 associated RING domain 1; minus strand). Cytogenetic location: 2q35.
Variant type: single nucleotide variant.
Coding change: c.1853T>G on transcript NM_000465.4 (MANE Select); coding-DNA position 1853, T replaced by G.
Protein change: p.Leu618Trp; replaces leucine 618 with tryptophan.
Molecular consequence: missense variant. On other transcripts: non-coding transcript variant (3), intron variant (1).
Genome position (GRCh38, 1-based): chr2:214,745,117, A>C on the plus strand (T>G on the coding strand, the complement: BARD1 is on the minus strand). VCF-style: chr2-214745117-A-C. GRCh37 (hg19) VCF-style: chr2-215609841-A-C.
Other names: c.1796T>G, p.Leu599Trp (NM_001282543.2); c.500T>G, p.Leu167Trp (NM_001282545.2); c.443T>G, p.Leu148Trp (NM_001282548.2); c.365-14609T>G (NM_001282549.2); short protein forms L618W, L167W, L599W, L148W.
Identifiers: ClinVar variation 460726 (VCV000460726.16), dbSNP rs1553614952, ClinGen allele CA350452195.

ClinVar aggregate classification (germline): Uncertain significance. Review status: criteria provided, multiple submitters, no conflicts (2 of 4 stars). 3 submissions from 3 submitters: Uncertain significance (3). Last evaluated 2023-12-05.

Conditions:
Hereditary cancer-predisposing syndrome. Also called: Neoplastic Syndromes, Hereditary; Tumor predisposition; Hereditary Cancer Syndrome; Hereditary neoplastic syndrome. Identifiers: Orphanet 140162, MedGen C0027672, MeSH D009386, MONDO:0015356.
Familial cancer of breast. Also called: BREAST CANCER, FAMILIAL; hereditary breast carcinoma; Hereditary breast cancer. Identifiers: Orphanet 227535, MedGen C0346153, MONDO:0016419, OMIM 114480. Disease mechanism: loss of function.

Allele frequency attached by ClinVar (database versions not stated): gnomAD exomes below 0.00001.
gnomAD v4.1: 1 of 1,614,126 alleles (0.000062%); highest among the groups gnomAD compares: Non-Finnish European, 0.000085%; no homozygotes.

Submissions (3):

Color Diagnostics, LLC DBA Color Health
Classification: Uncertain significance for Hereditary cancer-predisposing syndrome. Last evaluated: 2023-12-05. Review status: criteria provided, single submitter. Criteria: ACMG Guidelines, 2015. Collection method: clinical testing. Allele origin: germline.
Comment: This missense variant replaces leucine with tryptophan at codon 618 of the BARD1 protein. Computational prediction suggests that this variant may not impact protein structure and function (internally defined REVEL score threshold <= 0.5, PMID: 27666373). To our knowledge, functional studies have not been reported for this variant. This variant has not been reported in individuals affected with BARD1-related disorders in the literature. This variant has not been identified in the general population by the Genome Aggregation Database (gnomAD). The available evidence is insufficient to determine the role of this variant in disease conclusively. Therefore, this variant is classified as a Variant of Uncertain Significance.

Ambry Genetics
Classification: Uncertain significance for Hereditary cancer-predisposing syndrome. Last evaluated: 2023-06-08. Review status: criteria provided, single submitter. Criteria: Ambry Variant Classification Scheme 2023. Collection method: clinical testing. Allele origin: germline.
Comment: The p.L618W variant (also known as c.1853T>G), located in coding exon 9 of the BARD1 gene, results from a T to G substitution at nucleotide position 1853. The leucine at codon 618 is replaced by tryptophan, an amino acid with similar properties. This amino acid position is not well conserved in available vertebrate species. In addition, this alteration is predicted to be tolerated by in silico analysis. Since supporting evidence is limited at this time, the clinical significance of this alteration remains unclear.

Labcorp Genetics (formerly Invitae), Labcorp
Classification: Uncertain significance for Familial cancer of breast. Last evaluated: 2021-08-28. Review status: criteria provided, single submitter. Criteria: Invitae Variant Classification Sherloc (09022015). Collection method: clinical testing. Allele origin: germline.
Comment: This sequence change replaces leucine with tryptophan at codon 618 of the BARD1 protein (p.Leu618Trp). The leucine residue is moderately conserved and there is a small physicochemical difference between leucine and tryptophan. This variant is not present in population databases (ExAC no frequency). This variant has not been reported in the literature in individuals affected with BARD1-related conditions. ClinVar contains an entry for this variant (Variation ID: 460726). Algorithms developed to predict the effect of missense changes on protein structure and function are either unavailable or do not agree on the potential impact of this missense change (SIFT: "Deleterious"; PolyPhen-2: "Probably Damaging"; Align-GVGD: "Class C0"). In summary, the available evidence is currently insufficient to determine the role of this variant in disease. Therefore, it has been classified as a Variant of Uncertain Significance.